The following is an entry in ClinVar:

NM_014874.4(MFN2):c.374G>A (p.Gly125Glu)

Gene: MFN2 (mitofusin 2; plus strand). Cytogenetic location: 1p36.22.
Variant type: single nucleotide variant.
Coding change: c.374G>A on transcript NM_014874.4 (MANE Select); coding-DNA position 374, G replaced by A.
Protein change: p.Gly125Glu; replaces glycine 125 with glutamic acid.
Molecular consequence: missense variant.
Genome position (GRCh38, 1-based): chr1:11,996,218, G>A. VCF-style: chr1-11996218-G-A. GRCh37 (hg19) VCF-style: chr1-12056275-G-A.
Other names: c.374G>A, p.Gly125Glu (NM_001127660.2); short protein forms G125E.
Identifiers: ClinVar variation 1046882 (VCV001046882.9), dbSNP rs1638900244, ClinGen allele CA338434395.
Genomic context (GRCh38, chr1:11,996,218, plus strand): 5'-CGAGCAATGGGAAGAGCACCGTGATCAATGCCATGCTCTGGGACAAAGTTCTGCCCTCTG[G>A]GATTGGCCACACCACCAATTGCTTCCTGCGGGTAGAGGGCACAGATGGCCATGAGGCCTT-3'
Protein context (NP_055689.1, residues 115-135): AMLWDKVLPS[Gly125Glu]IGHTTNCFLR

ClinVar aggregate classification (germline): Uncertain significance (1 of 4 stars; one submission).

Conditions:
Charcot-Marie-Tooth disease type 2. Also called: Charcot-Marie-Tooth type 2. Identifiers: Orphanet 64746, MedGen C0270914, MONDO:0018993.

Submission:

Labcorp Genetics (formerly Invitae), Labcorp
Classification: Uncertain significance for Charcot-Marie-Tooth disease type 2. Last evaluated: 2024-09-02. Review status: criteria provided, single submitter. Criteria: Invitae Variant Classification Sherloc (09022015). Collection method: clinical testing. Allele origin: germline.
Comment: This sequence change replaces glycine, which is neutral and non-polar, with glutamic acid, which is acidic and polar, at codon 125 of the MFN2 protein (p.Gly125Glu). This variant is not present in population databases (gnomAD no frequency). This variant has not been reported in the literature in individuals affected with MFN2-related conditions. ClinVar contains an entry for this variant (Variation ID: 1046882). Invitae Evidence Modeling of protein sequence and biophysical properties (such as structural, functional, and spatial information, amino acid conservation, physicochemical variation, residue mobility, and thermodynamic stability) indicates that this missense variant is expected to disrupt MFN2 protein function with a positive predictive value of 95%. In summary, the available evidence is currently insufficient to determine the role of this variant in disease. Therefore, it has been classified as a Variant of Uncertain Significance.